The following is an entry in ClinVar:

ClinVar aggregate classification (germline): Uncertain significance (1 of 4 stars; one submission).

Submission:

Labcorp Genetics (formerly Invitae), Labcorp
Classification: Uncertain significance. Last evaluated: 2024-11-13. Review status: criteria provided, single submitter. Criteria: Invitae Variant Classification Sherloc (09022015). Collection method: clinical testing. Allele origin: germline.
Comment: This sequence change replaces proline, which is neutral and non-polar, with leucine, which is neutral and non-polar, at codon 393 of the FCHO1 protein (p.Pro393Leu). This variant is not present in population databases (gnomAD no frequency). This variant has not been reported in the literature in individuals affected with FCHO1-related conditions. An algorithm developed to predict the effect of missense changes on protein structure and function (PolyPhen-2) suggests that this variant is likely to be tolerated. In summary, the available evidence is currently insufficient to determine the role of this variant in disease. Therefore, it has been classified as a Variant of Uncertain Significance.

NM_015122.3(FCHO1):c.1178C>T (p.Pro393Leu)

Gene: FCHO1 (FCH and mu domain containing endocytic adaptor 1; plus strand). Cytogenetic location: 19p13.11.
Variant type: single nucleotide variant.
Coding change: c.1178C>T on transcript NM_015122.3 (MANE Select); coding-DNA position 1178, C replaced by T.
Protein change: p.Pro393Leu; replaces proline 393 with leucine.
Molecular consequence: missense variant. On other transcripts: non-coding transcript variant (36).
Genome position (GRCh38, 1-based): chr19:17,776,157, C>T. VCF-style: chr19-17776157-C-T. GRCh37 (hg19) VCF-style: chr19-17886966-C-T.
Other names: c.1178C>T, p.Pro393Leu (NM_001161357.2, NM_001161358.2, NM_001384370.1 and 25 more transcripts); c.1028C>T, p.Pro343Leu (NM_001161359.2, NM_001384384.1, NM_001384385.1 and 3 more transcripts); c.1139C>T, p.Pro380Leu (NM_001384388.1, NM_001384389.1, NM_001384405.1); c.1103C>T, p.Pro368Leu (NM_001384390.1); c.1133C>T, p.Pro378Leu (NM_001384403.1); short protein forms P378L, P343L, P368L, P393L, P380L.
Identifiers: ClinVar variation 3725115 (VCV003725115.2).